The following is an entry in ClinVar:

ClinVar aggregate classification (germline): Uncertain significance (1 of 4 stars; one submission).

Conditions:
Pitt-Hopkins syndrome (PTHS). Also called: ENCEPHALOPATHY, SEVERE EPILEPTIC, WITH AUTONOMIC DYSFUNCTION; MENTAL RETARDATION, SYNDROMAL, WITH INTERMITTENT HYPERVENTILATION. Identifiers: Orphanet 2896, MedGen C1970431, MONDO:0012589, OMIM 610954.

Allele frequency attached by ClinVar (database versions not stated): gnomAD exomes below 0.00001.

Submission:

Labcorp Genetics (formerly Invitae), Labcorp
Classification: Uncertain significance for Pitt-Hopkins syndrome. Last evaluated: 2025-01-06. Review status: criteria provided, single submitter. Criteria: Invitae Variant Classification Sherloc (09022015). Collection method: clinical testing. Allele origin: germline.
Comment: This sequence change replaces leucine, which is neutral and non-polar, with proline, which is neutral and non-polar, at codon 487 of the TCF4 protein (p.Leu487Pro). This variant is not present in population databases (gnomAD no frequency). This variant has not been reported in the literature in individuals affected with TCF4-related conditions. ClinVar contains an entry for this variant (Variation ID: 2083882). Invitae Evidence Modeling of protein sequence and biophysical properties (such as structural, functional, and spatial information, amino acid conservation, physicochemical variation, residue mobility, and thermodynamic stability) indicates that this missense variant is not expected to disrupt TCF4 protein function with a negative predictive value of 95%. In summary, the available evidence is currently insufficient to determine the role of this variant in disease. Therefore, it has been classified as a Variant of Uncertain Significance.

NM_001083962.2(TCF4):c.1460T>C (p.Leu487Pro)

Gene: TCF4 (transcription factor 4; minus strand). Cytogenetic location: 18q21.2.
Variant type: single nucleotide variant.
Coding change: c.1460T>C on transcript NM_001083962.2 (MANE Select); coding-DNA position 1460, T replaced by C.
Protein change: p.Leu487Pro; replaces leucine 487 with proline.
Molecular consequence: missense variant.
Genome position (GRCh38, 1-based): chr18:55,234,574, A>G on the plus strand (T>C on the coding strand, the complement: TCF4 is on the minus strand). VCF-style: chr18-55234574-A-G. GRCh37 (hg19) VCF-style: chr18-52901805-A-G.
Other names: c.1766T>C, p.Leu589Pro (NM_001243226.3); c.1388T>C, p.Leu463Pro (NM_001243227.2, NM_001306207.1, NM_001348217.1 and 5 more transcripts); c.1478T>C, p.Leu493Pro (NM_001243228.2); c.1451T>C, p.Leu484Pro (NM_001243230.2); c.1334T>C, p.Leu445Pro (NM_001243231.2, NM_001348211.2); c.1247T>C, p.Leu416Pro (NM_001243232.1, NM_001306208.1); c.1070T>C, p.Leu357Pro (NM_001243233.2, NM_001330605.3, NM_001348212.2 and 1 more transcripts); c.980T>C, p.Leu327Pro (NM_001243234.2, NM_001243235.2, NM_001243236.2 and 1 more transcripts); and 6 more; short protein forms L416P, L463P, L464P, L484P, L486P, L493P, L589P, L326P.
Identifiers: ClinVar variation 2083882 (VCV002083882.4), dbSNP rs2511633610, ClinGen allele CA402531568.